The following is an entry in ClinVar:

NM_006270.5(RRAS):c.595C>A (p.Pro199Thr)

Gene: RRAS (RAS related; minus strand). Cytogenetic location: 19q13.33.
Variant type: single nucleotide variant.
Coding change: c.595C>A on transcript NM_006270.5 (MANE Select); coding-DNA position 595, C replaced by A.
Protein change: p.Pro199Thr; replaces proline 199 with threonine.
Molecular consequence: missense variant.
Genome position (GRCh38, 1-based): chr19:49,635,638, G>T on the plus strand (C>A on the coding strand, the complement: RRAS is on the minus strand). VCF-style: chr19-49635638-G-T. GRCh37 (hg19) VCF-style: chr19-50138895-G-T.
Other names: short protein forms P199T.
Identifiers: ClinVar variation 3315390 (VCV003315390.4).

ClinVar aggregate classification (germline): Uncertain significance. Review status: criteria provided, multiple submitters, no conflicts (2 of 4 stars). 2 submissions from 2 submitters: Uncertain significance (2). Last evaluated 2025-11-08.

Conditions:
Noonan syndrome (NS). Also called: Noonan's syndrome. Identifiers: Orphanet 648, MedGen C0028326, MeSH D009634, MONDO:0018997. Disease mechanism: gain of function.

Submissions (2):

Ambry Genetics
Classification: Uncertain significance. Last evaluated: 2025-11-08. Review status: criteria provided, single submitter. Criteria: Ambry Variant Classification Scheme 2023. Collection method: clinical testing. Allele origin: germline.

Labcorp Genetics (formerly Invitae), Labcorp
Classification: Uncertain significance for Noonan syndrome. Last evaluated: 2024-11-27. Review status: criteria provided, single submitter. Criteria: Invitae Variant Classification Sherloc (09022015). Collection method: clinical testing. Allele origin: germline.
Comment: This sequence change replaces proline, which is neutral and non-polar, with threonine, which is neutral and polar, at codon 199 of the RRAS protein (p.Pro199Thr). This variant is present in population databases (no rsID available, gnomAD 0.007%). This variant has not been reported in the literature in individuals affected with RRAS-related conditions. An algorithm developed to predict the effect of missense changes on protein structure and function (PolyPhen-2) suggests that this variant is likely to be disruptive. In summary, the available evidence is currently insufficient to determine the role of this variant in disease. Therefore, it has been classified as a Variant of Uncertain Significance.